The following is an entry in ClinVar:

ClinVar aggregate classification (germline): Conflicting classifications of pathogenicity. Review status: criteria provided, conflicting classifications (1 of 4 stars). 6 submissions from 6 submitters: Uncertain significance (5); Likely benign (1). Last evaluated 2025-11-20.

Conditions:
Long QT syndrome 5 (LQT5). Identifiers: Orphanet 101016, Orphanet 768, MedGen C1867904, MONDO:0013372, OMIM 613695.
Cardiovascular phenotype. Identifiers: MedGen CN230736.
Long QT syndrome (LQTS). Identifiers: MedGen C0023976, MeSH D008133, MONDO:0002442. Disease mechanism: loss of function. Inheritance: Various modes of inheritance.

Allele frequency attached by ClinVar (database versions not stated): gnomAD 0.00001; gnomAD exomes 0.00001; TOPMed 0.00001.

Submissions (7):

Dasa
Classification: Uncertain significance for Long QT syndrome 5. Last evaluated: 2025-11-20. Review status: criteria provided, single submitter. Criteria: DASA Assertion Criteria. Collection method: clinical testing. Allele origin: germline.
Comment: NM_000219.6(KCNE1):c.277G>A (p.Ala93Thr) is a missense variant that results in the substitution of alanine with threonine. This variant has been reported in individuals with KCNE1-related disorders (PMID: 24606995). Also, this variant is rare in population databases. Computational prediction algorithms are consistent with a deleterious effect. The currently available literature and clinical evidence are not sufficient to establish a definitive association between this variant and the reported condition. Therefore, this variant is classified as a variant of uncertain significance.

Ambry Genetics
Classification: Uncertain significance for Cardiovascular phenotype. Last evaluated: 2025-06-26. Review status: criteria provided, single submitter. Criteria: Ambry Variant Classification Scheme 2023. Collection method: clinical testing. Allele origin: germline.
Comment: The p.A93T variant (also known as c.277G>A), located in coding exon 1 of the KCNE1 gene, results from a G to A substitution at nucleotide position 277. The alanine at codon 93 is replaced by threonine, an amino acid with similar properties. This variant was reported in an individual with Long QT syndrome who harbored an additional missense variant in KCNQ1 (Christiansen M et al. BMC Med Genet, 2014 Mar;15:31). This amino acid position is not well conserved in available vertebrate species. In addition, the in silico prediction for this alteration is inconclusive. Based on the available evidence, the clinical significance of this variant remains unclear.

CeGaT Center for Human Genetics Tuebingen
Classification: Likely benign. Last evaluated: 2025-03-01. Review status: criteria provided, single submitter. Criteria: CeGaT Center For Human Genetics Tuebingen Variant Classification Criteria Version 2. Collection method: clinical testing. Allele origin: germline. Affected: yes. Observed: 1 variant allele.
Comment: KCNE1: BS2

GeneDx
Classification: Uncertain significance. Last evaluated: 2024-07-29. Review status: criteria provided, single submitter. Criteria: GeneDx Variant Classification Process June 2021. Collection method: clinical testing. Allele origin: germline. Affected: yes.
Comment: Identified in a family with LQTS who also harbored a variant in the KCNQ1 gene (PMID: 24606995); Not observed at significant frequency in large population cohorts (gnomAD); In silico analysis indicates that this missense variant does not alter protein structure/function; This variant is associated with the following publications: (PMID: 24606995, 30461122)

Labcorp Genetics (formerly Invitae), Labcorp
Classification: Uncertain significance for Long QT syndrome. Last evaluated: 2023-09-05. Review status: criteria provided, single submitter. Criteria: Invitae Variant Classification Sherloc (09022015). Collection method: clinical testing. Allele origin: germline.
Comment: In summary, the available evidence is currently insufficient to determine the role of this variant in disease. Therefore, it has been classified as a Variant of Uncertain Significance. Advanced modeling of protein sequence and biophysical properties (such as structural, functional, and spatial information, amino acid conservation, physicochemical variation, residue mobility, and thermodynamic stability) has been performed at Invitae for this missense variant, however the output from this modeling did not meet the statistical confidence thresholds required to predict the impact of this variant on KCNE1 protein function. ClinVar contains an entry for this variant (Variation ID: 1000232). This missense change has been observed in individual(s) with Romano-Ward syndrome (PMID: 24606995). This variant is present in population databases (no rsID available, gnomAD 0.002%). This sequence change replaces alanine, which is neutral and non-polar, with threonine, which is neutral and polar, at codon 93 of the KCNE1 protein (p.Ala93Thr).

AiLife Diagnostics
Classification: Uncertain significance. Last evaluated: 2021-11-22. Review status: criteria provided, single submitter. Criteria: ACMG Guidelines, 2015. Collection method: clinical testing. Allele origin: germline. Affected: yes. Observed: 1 variant allele.

Roden Lab, Vanderbilt University Medical Center
No classification provided (evidence only). Condition: Long QT syndrome 5. Review status: no classification provided. Collection method: in vitro. Allele origin: not applicable. Functional consequence: Effect on ion channel function. Not counted in ClinVar's aggregate classification.
ClinVar note: "not provided" was previously submitted as the classification for the variant. However, the classification appeared to be based only on an observation of functional data so it was converted to no classification on 2025-07-30.

Literature cited by the submitters: PubMed 24606995 (cited by 4 submitters); PubMed 35456365 (cited by Dasa); PubMed 23838598 (cited by Dasa).

NM_000219.6(KCNE1):c.277G>A (p.Ala93Thr)

Gene: KCNE1 (potassium voltage-gated channel subfamily E regulatory subunit 1; minus strand). Cytogenetic location: 21q22.12.
Variant type: single nucleotide variant.
Coding change: c.277G>A on transcript NM_000219.6 (MANE Select); coding-DNA position 277, G replaced by A.
Protein change: p.Ala93Thr; replaces alanine 93 with threonine.
Molecular consequence: missense variant.
Genome position (GRCh38, 1-based): chr21:34,449,358, C>T on the plus strand (G>A on the coding strand, the complement: KCNE1 is on the minus strand). VCF-style: chr21-34449358-C-T. GRCh37 (hg19) VCF-style: chr21-35821656-C-T.
Other names: c.277G>A, p.Ala93Thr (NM_001127668.4, NM_001127669.4, NM_001127670.4 and 4 more transcripts); c.277G>A (NM_000219.3); short protein forms A93T.
Identifiers: ClinVar variation 1000232 (VCV001000232.20), dbSNP rs1310229049, ClinGen allele CA410198120.